The following is an entry in ClinVar:

NM_002439.5(MSH3):c.2263G>T (p.Glu755Ter)

Gene: MSH3 (mutS homolog 3; plus strand). Cytogenetic location: 5q14.1.
Variant type: single nucleotide variant.
Coding change: c.2263G>T on transcript NM_002439.5 (MANE Select); coding-DNA position 2263, G replaced by T.
Protein change: p.Glu755Ter; replaces glutamic acid 755 with a stop codon.
Molecular consequence: nonsense.
Genome position (GRCh38, 1-based): chr5:80,775,703, G>T. VCF-style: chr5-80775703-G-T. GRCh37 (hg19) VCF-style: chr5-80071522-G-T.
Other names: short protein forms E755*.
Identifiers: ClinVar variation 5024821 (VCV005024821.1).

ClinVar aggregate classification (germline): Pathogenic (1 of 4 stars; one submission).

Conditions:
Hereditary cancer-predisposing syndrome. Also called: Neoplastic Syndromes, Hereditary; Tumor predisposition; Hereditary neoplastic syndrome; Hereditary Cancer Syndrome. Identifiers: Orphanet 140162, MedGen C0027672, MeSH D009386, MONDO:0015356.

Submission:

Ambry Genetics
Classification: Pathogenic for Hereditary cancer-predisposing syndrome. Last evaluated: 2026-08-04. Review status: criteria provided, single submitter. Criteria: Ambry Variant Classification Scheme 2023. Collection method: clinical testing. Allele origin: germline.
Comment: The p.E755* pathogenic mutation (also known as c.2263G>T), located in coding exon 16 of the MSH3 gene, results from a G to T substitution at nucleotide position 2263. This changes the amino acid from a glutamic acid to a stop codon within coding exon 16. This variant is considered to be rare based on population cohorts in the Genome Aggregation Database (gnomAD). This alteration is expected to result in loss of function by premature protein truncation or nonsense-mediated mRNA decay. As such, this alteration is interpreted as a disease-causing mutation.